The following is an entry in ClinVar:

NM_000548.5(TSC2):c.5001C>T (p.Asn1667=)

Gene: TSC2 (TSC complex subunit 2; plus strand). Cytogenetic location: 16p13.3.
Variant type: single nucleotide variant.
Coding change: c.5001C>T on transcript NM_000548.5 (MANE Select); coding-DNA position 5001, C replaced by T.
Protein change: p.Asn1667=; no amino-acid change (asparagine 1667 retained).
Molecular consequence: synonymous variant.
Genome position (GRCh38, 1-based): chr16:2,087,874, C>T. VCF-style: chr16-2087874-C-T. GRCh37 (hg19) VCF-style: chr16-2137875-C-T.
Other names: c.4800C>T, p.Asn1600= (NM_001077183.3); c.4932C>T, p.Asn1644= (NM_001114382.3); c.4692C>T, p.Asn1564= (NM_001318827.2); c.4656C>T, p.Asn1552= (NM_001318829.2); c.4269C>T, p.Asn1423= (NM_001318831.2); c.4833C>T, p.Asn1611= (NM_001318832.2); c.4803C>T, p.Asn1601= (NM_001363528.2); c.4869C>T, p.Asn1623= (NM_001370404.1); and 1 more.
Identifiers: ClinVar variation 284593 (VCV000284593.24), dbSNP rs551938797, ClinGen allele CA053466.

ClinVar aggregate classification (germline): Conflicting classifications of pathogenicity. Review status: criteria provided, conflicting classifications (1 of 4 stars). 8 submissions from 8 submitters: Uncertain significance (1); Benign (3); Likely benign (4). Last evaluated 2026-01-19.

Conditions:
Hereditary cancer-predisposing syndrome. Also called: Neoplastic Syndromes, Hereditary; Tumor predisposition; Hereditary neoplastic syndrome; Hereditary Cancer Syndrome. Identifiers: Orphanet 140162, MedGen C0027672, MeSH D009386, MONDO:0015356.
Tuberous sclerosis syndrome (TSC). Also called: Tuberous Sclerosis Complex; Tuberous sclerosis. Identifiers: Orphanet 805, MedGen C0041341, MONDO:0001734.
Tuberous sclerosis 2 (TSC2). Identifiers: Orphanet 805, MedGen C1860707, MONDO:0013199, OMIM 613254.

Allele frequency attached by ClinVar (database versions not stated): gnomAD below 0.00001 and 0.00004; TOPMed 0.00001; gnomAD exomes 0.00003 and 0.00006; ExAC 0.00010; 1000 Genomes Project 30x 0.00062; 1000 Genomes Project 0.00080.
gnomAD v4.1: 61 of 1,612,420 alleles (0.0038%); highest among the groups gnomAD compares: South Asian, 0.06%; 2 homozygotes.

Submissions (8):

Labcorp Genetics (formerly Invitae), Labcorp
Classification: Benign for Tuberous sclerosis 2. Last evaluated: 2026-01-19. Review status: criteria provided, single submitter. Criteria: Invitae Variant Classification Sherloc (09022015). Collection method: clinical testing. Allele origin: germline.

Myriad Genetics, Inc.
Classification: Benign for Tuberous sclerosis 2. Last evaluated: 2025-06-05. Review status: criteria provided, single submitter. Criteria: Myriad Autosomal Dominant, Autosomal Recessive and X-Linked Classification Criteria (2023). Collection method: clinical testing. Allele origin: unknown.
Comment: This variant is considered benign. This variant is a silent/synonymous amino acid change and it is not expected to impact splicing.

All of Us Research Program, National Institutes of Health
Classification: Likely benign for Tuberous sclerosis syndrome. Last evaluated: 2023-09-17. Review status: criteria provided, single submitter. Criteria: ACMG Guidelines, 2015. Collection method: clinical testing. Allele origin: germline. Inheritance: Autosomal dominant inheritance. Observed: 1 variant allele, 1 heterozygote.
Comment: This study involves interpretation of variants in research participants for the purpose of population health screening. Participant phenotype was not available at the time of variant classification. Additional details can be found in publication PMID: 35346344, PMCID: PMC8962531

Color Diagnostics, LLC DBA Color Health
Classification: Likely benign for Tuberous sclerosis syndrome. Last evaluated: 2023-08-31. Review status: criteria provided, single submitter. Criteria: ACMG Guidelines, 2015. Collection method: clinical testing. Allele origin: germline.

Genome-Nilou Lab
Classification: Likely benign for Tuberous sclerosis 2. Last evaluated: 2021-11-07. Review status: criteria provided, single submitter. Criteria: ACMG Guidelines, 2015. Collection method: clinical testing. Allele origin: germline. Affected: no.

Ambry Genetics
Classification: Likely benign for Hereditary cancer-predisposing syndrome. Last evaluated: 2020-06-30. Review status: criteria provided, single submitter. Criteria: Ambry Variant Classification Scheme 2023. Collection method: clinical testing. Allele origin: germline.

GeneDx
Classification: Benign. Last evaluated: 2019-06-21. Review status: criteria provided, single submitter. Criteria: GeneDx Variant Classification Process June 2021. Collection method: clinical testing. Allele origin: germline. Affected: yes.

Eurofins Ntd Llc (ga)
Classification: Uncertain significance. Last evaluated: 2015-11-19. Review status: criteria provided, single submitter. Criteria: EGL Classification Definitions 2015. Collection method: clinical testing. Allele origin: germline. Observed: 1 variant allele, 1 heterozygote.